The following is an entry in ClinVar:

NM_018238.4(AGK):c.788A>G (p.Asn263Ser)

Gene: AGK (acylglycerol kinase; plus strand). Cytogenetic location: 7q34.
Variant type: single nucleotide variant.
Coding change: c.788A>G on transcript NM_018238.4 (MANE Select); coding-DNA position 788, A replaced by G.
Protein change: p.Asn263Ser; replaces asparagine 263 with serine.
Molecular consequence: missense variant.
Genome position (GRCh38, 1-based): chr7:141,641,309, A>G. VCF-style: chr7-141641309-A-G. GRCh37 (hg19) VCF-style: chr7-141341109-A-G.
Other names: c.788A>G, p.Asn263Ser (NM_001364948.3); c.788A>G (NM_018238.3); short protein forms N263S.
Identifiers: ClinVar variation 2938194 (VCV002938194.4), dbSNP rs138656216, ClinGen allele CA4517585.

ClinVar aggregate classification (germline): Conflicting classifications of pathogenicity. Review status: criteria provided, conflicting classifications (1 of 4 stars). 2 submissions from 2 submitters: Uncertain significance (1); Likely benign (1). Last evaluated 2025-11-03.

Conditions:
Inborn genetic diseases. Identifiers: MedGen C0950123, MeSH D030342.
Sengers syndrome. Also called: MITOCHONDRIAL DNA DEPLETION SYNDROME 10 (CARDIOMYOPATHIC TYPE); Cardiomyopathy and cataract. Identifiers: Orphanet 1369, MedGen C1859317, MONDO:0008922, OMIM 212350.
Cataract 38. Also called: Cataract, autosomal recessive congenital 5; Cataract 38, autosomal recessive. Identifiers: Orphanet 91492, MedGen C3553494, MONDO:0013859, OMIM 614691.

Allele frequency attached by ClinVar (database versions not stated): TOPMed 0.00012; gnomAD 0.00013; 1000 Genomes Project 30x 0.00016; 1000 Genomes Project 0.00020; ESP Exome Variant Server 0.00023.
gnomAD v4.1: 36 of 1,614,018 alleles (0.0022%); highest among the groups gnomAD compares: African/African-American, 0.037%; no homozygotes.

Submissions (2):

Labcorp Genetics (formerly Invitae), Labcorp
Classification: Uncertain significance for Sengers syndrome; Cataract 38. Last evaluated: 2025-11-03. Review status: criteria provided, single submitter. Criteria: Invitae Variant Classification Sherloc (09022015). Collection method: clinical testing. Allele origin: germline.
Comment: This sequence change replaces asparagine, which is neutral and polar, with serine, which is neutral and polar, at codon 263 of the AGK protein (p.Asn263Ser). This variant is present in population databases (rs138656216, gnomAD 0.05%). This variant has not been reported in the literature in individuals affected with AGK-related conditions. ClinVar contains an entry for this variant (Variation ID: 2938194). Invitae Evidence Modeling of protein sequence and biophysical properties (such as structural, functional, and spatial information, amino acid conservation, physicochemical variation, residue mobility, and thermodynamic stability) indicates that this missense variant is not expected to disrupt AGK protein function with a negative predictive value of 80%. In summary, the available evidence is currently insufficient to determine the role of this variant in disease. Therefore, it has been classified as a Variant of Uncertain Significance.

Ambry Genetics
Classification: Likely benign for Inborn genetic diseases. Last evaluated: 2023-09-19. Review status: criteria provided, single submitter. Criteria: Ambry Variant Classification Scheme 2023. Collection method: clinical testing. Allele origin: germline.